The following is an entry in ClinVar:

ClinVar aggregate classification (germline): Uncertain significance. Review status: criteria provided, multiple submitters, no conflicts (2 of 4 stars). 4 submissions from 4 submitters: Uncertain significance (4). Last evaluated 2026-02-11.

Conditions:
Hereditary pheochromocytoma and paraganglioma. Also called: Hereditary Paraganglioma-Pheochromocytoma Syndromes; Hereditary paragangliomas and pheochromocytomas; Hereditary pheochromocytoma-paraganglioma. Identifiers: Orphanet 29072, MedGen C4274332, MONDO:0017366.
Pheochromocytoma/paraganglioma syndrome 2. Also called: GLOMUS TUMORS, FAMILIAL, 2; Paragangliomas 2; SDHAF2-Related Hereditary Paraganglioma-Pheochromocytoma Syndrome (Paragangliomas 2); SDHAF2-Related Hereditary Paraganglioma-Pheochromocytoma Syndrome. Identifiers: Orphanet 29072, MedGen C1866552, MONDO:0011121, OMIM 601650.

Allele frequency attached by ClinVar (database versions not stated): gnomAD exomes below 0.00001.
gnomAD v4.1: 1 of 1,590,626 alleles (0.000063%); highest among the groups gnomAD compares: Non-Finnish European, 0.000086%; no homozygotes.

Submissions (4):

St. Jude Molecular Pathology, St. Jude Children's Research Hospital
Classification: Uncertain significance for Pheochromocytoma/paraganglioma syndrome 2. Last evaluated: 2026-02-11. Review status: criteria provided, single submitter. Criteria: St. Jude Assertion Criteria 2020. Collection method: clinical testing. Allele origin: germline.
Comment: The SDHAF2 c.370+6G>A intronic change results in a G to A substitution at the +6 position of intron 3 of the SDHAF2 gene. Algorithms that predict the impact of sequence changes on splicing indicate that this change may impact splicing but to our knowledge these predictions have not been confirmed by RNA studies. This variant is absent in gnomAD v2.1.1. To our knowledge, this variant has not been reported in individuals with SDHAF2-associated tumors. In summary, the evidence currently available is insufficient to determine the clinical significance of this variant. It has therefore been classified as of uncertain significance.

Labcorp Genetics (formerly Invitae), Labcorp
Classification: Uncertain significance for Hereditary pheochromocytoma and paraganglioma. Last evaluated: 2024-11-12. Review status: criteria provided, single submitter. Criteria: Invitae Variant Classification Sherloc (09022015). Collection method: clinical testing. Allele origin: germline.
Comment: This sequence change falls in intron 3 of the SDHAF2 gene. It does not directly change the encoded amino acid sequence of the SDHAF2 protein. It affects a nucleotide within the consensus splice site. This variant is not present in population databases (gnomAD no frequency). This variant has not been reported in the literature in individuals affected with SDHAF2-related conditions. ClinVar contains an entry for this variant (Variation ID: 580383). Variants that disrupt the consensus splice site are a relatively common cause of aberrant splicing (PMID: 17576681, 9536098). Algorithms developed to predict the effect of sequence changes on RNA splicing suggest that this variant may disrupt the consensus splice site. In summary, the available evidence is currently insufficient to determine the role of this variant in disease. Therefore, it has been classified as a Variant of Uncertain Significance.

Women's Health and Genetics/Laboratory Corporation of America, LabCorp
Classification: Uncertain significance. Last evaluated: 2024-02-02. Review status: criteria provided, single submitter. Criteria: LabCorp Variant Classification Summary - May 2015. Collection method: clinical testing. Allele origin: germline.
Comment: Variant summary: SDHAF2 c.370+6G>A alters a non-conserved nucleotide located close to a canonical splice site and therefore could affect mRNA splicing, leading to a significantly altered protein sequence. Several computational tools predict a significant impact on normal splicing: although three predict the variant has no significant impact on canonical splicing, one predicts the variant weakens a canonical 5' donor site, and three predict the variant strengthens/creates a cryptic 5' donor site. However, these predictions have yet to be confirmed by functional studies. The variant was absent in 251460 control chromosomes. The available data on variant occurrences in the general population are insufficient to allow any conclusion about variant significance. To our knowledge, no occurrence of c.370+6G>A in individuals affected with Hereditary Paraganglioma-Pheochromocytoma Syndrome and no experimental evidence demonstrating its impact on protein function have been reported. ClinVar contains an entry for this variant (Variation ID: 580383). Based on the evidence outlined above, the variant was classified as uncertain significance.

GeneDx
Classification: Uncertain significance. Last evaluated: 2022-06-20. Review status: criteria provided, single submitter. Criteria: GeneDx Variant Classification Process June 2021. Collection method: clinical testing. Allele origin: germline. Affected: yes.
Comment: Not observed at significant frequency in large population cohorts (gnomAD); In silico analysis supports a deleterious effect on splicing; Has not been previously published as pathogenic or benign to our knowledge

Literature cited by the submitters: PubMed 17576681 (cited by Labcorp Genetics (formerly Invitae), Labcorp); PubMed 9536098 (cited by Labcorp Genetics (formerly Invitae), Labcorp).

NM_017841.4(SDHAF2):c.370+6G>A

Gene: SDHAF2 (succinate dehydrogenase complex assembly factor 2; plus strand). Cytogenetic location: 11q12.2.
Variant type: single nucleotide variant.
Coding change: c.370+6G>A on transcript NM_017841.4 (MANE Select); 6 bases into the intron after coding-DNA position 370, G replaced by A.
Molecular consequence: intron variant.
Genome position (GRCh38, 1-based): chr11:61,438,119, G>A. VCF-style: chr11-61438119-G-A. GRCh37 (hg19) VCF-style: chr11-61205591-G-A.
Identifiers: ClinVar variation 580383 (VCV000580383.12), dbSNP rs1565128722, ClinGen allele CA380684265.